The following is an entry in ClinVar:

NM_003722.5(TP63):c.587C>G (p.Thr196Ser)

Gene: TP63 (tumor protein p63; plus strand). Cytogenetic location: 3q28.
Variant type: single nucleotide variant.
Coding change: c.587C>G on transcript NM_003722.5 (MANE Select); coding-DNA position 587, C replaced by G.
Protein change: p.Thr196Ser; replaces threonine 196 with serine.
Molecular consequence: missense variant.
Genome position (GRCh38, 1-based): chr3:189,864,239, C>G. VCF-style: chr3-189864239-C-G. GRCh37 (hg19) VCF-style: chr3-189582028-C-G.
Other names: c.587C>G (NM_003722.4); c.587C>G, p.Thr196Ser (NM_001114978.2, NM_001114979.2, NM_001329144.2 and 1 more transcripts); c.305C>G, p.Thr102Ser (NM_001114980.2, NM_001114981.2, NM_001114982.2 and 2 more transcripts); c.50C>G, p.Thr17Ser (NM_001329146.2, NM_001329150.2); c.581C>G, p.Thr194Ser (NM_001329964.2); short protein forms T102S, T17S, T194S, T196S.
Identifiers: ClinVar variation 2682400 (VCV002682400.4), dbSNP rs568772953, ClinGen allele CA2752212.

ClinVar aggregate classification (germline): Uncertain significance. Review status: criteria provided, multiple submitters, no conflicts (2 of 4 stars). 3 submissions from 3 submitters: Uncertain significance (3). Last evaluated 2026-02-24.

Conditions:
TP63-Related Spectrum Disorders.
Inborn genetic diseases. Identifiers: MedGen C0950123, MeSH D030342.

Allele frequency attached by ClinVar (database versions not stated): gnomAD 0.00001; 1000 Genomes Project 30x 0.00016; 1000 Genomes Project 0.00020.
gnomAD v4.1: 5 of 1,614,176 alleles (0.00031%); highest among the groups gnomAD compares: Admixed American, 0.0033%; no homozygotes.

Submissions (3):

Ambry Genetics
Classification: Uncertain significance for Inborn genetic diseases. Last evaluated: 2026-02-24. Review status: criteria provided, single submitter. Criteria: Ambry Variant Classification Scheme 2023. Collection method: clinical testing. Allele origin: germline.

Labcorp Genetics (formerly Invitae), Labcorp
Classification: Uncertain significance. Last evaluated: 2024-04-25. Review status: criteria provided, single submitter. Criteria: Invitae Variant Classification Sherloc (09022015). Collection method: clinical testing. Allele origin: germline.
Comment: This sequence change replaces threonine, which is neutral and polar, with serine, which is neutral and polar, at codon 196 of the TP63 protein (p.Thr196Ser). This variant is present in population databases (rs568772953, gnomAD 0.0009%). This variant has not been reported in the literature in individuals affected with TP63-related conditions. Advanced modeling of protein sequence and biophysical properties (such as structural, functional, and spatial information, amino acid conservation, physicochemical variation, residue mobility, and thermodynamic stability) performed at Invitae indicates that this missense variant is expected to disrupt TP63 protein function with a positive predictive value of 95%. In summary, the available evidence is currently insufficient to determine the role of this variant in disease. Therefore, it has been classified as a Variant of Uncertain Significance.

Women's Health and Genetics/Laboratory Corporation of America, LabCorp
Classification: Uncertain significance. Last evaluated: 2023-11-08. Review status: criteria provided, single submitter. Criteria: LabCorp Variant Classification Summary - May 2015. Collection method: clinical testing. Allele origin: germline.
Comment: Variant summary: TP63 c.587C>G (p.Thr196Ser) results in a conservative amino acid change in the encoded protein sequence. Three of five in-silico tools predict a benign effect of the variant on protein function. The variant allele was found at a frequency of 4e-06 in 251260 control chromosomes. The available data on variant occurrences in the general population are insufficient to allow any conclusion about variant significance. To our knowledge, no occurrence of c.587C>G in individuals affected with TP63-Related Disorders and no experimental evidence demonstrating its impact on protein function have been reported. No submitters have cited clinical-significance assessments for this variant to ClinVar after 2014. Based on the evidence outlined above, the variant was classified as uncertain significance.